The following is an entry in ClinVar:

NM_015164.4(PLEKHM2):c.941+6C>T

Gene: PLEKHM2 (pleckstrin homology and RUN domain containing M2; plus strand). Cytogenetic location: 1p36.21.
Variant type: single nucleotide variant.
Coding change: c.941+6C>T on transcript NM_015164.4 (MANE Select); 6 bases into the intron after coding-DNA position 941, C replaced by T.
Molecular consequence: intron variant.
Genome position (GRCh38, 1-based): chr1:15,725,551, C>T. VCF-style: chr1-15725551-C-T. GRCh37 (hg19) VCF-style: chr1-16052046-C-T.
Identifiers: ClinVar variation 933577 (VCV000933577.8), dbSNP rs1170781688, ClinGen allele CA521458772.

ClinVar aggregate classification (germline): Uncertain significance (1 of 4 stars; one submission).

Conditions:
Dilated Cardiomyopathy, Recessive.

Allele frequency attached by ClinVar (database versions not stated): gnomAD 0.00001; TOPMed 0.00001; gnomAD exomes 0.00003 and below 0.00001.

Submission:

Labcorp Genetics (formerly Invitae), Labcorp
Classification: Uncertain significance. Last evaluated: 2019-06-07. Review status: criteria provided, single submitter. Criteria: Invitae Variant Classification Sherloc (09022015). Collection method: clinical testing. Allele origin: germline.
Comment: In summary, the available evidence is currently insufficient to determine the role of this variant in disease. Therefore, it has been classified as a Variant of Uncertain Significance. Nucleotide substitutions within the consensus splice site are a relatively common cause of aberrant splicing (PMID: 17576681, 9536098). Algorithms developed to predict the effect of sequence changes on RNA splicing suggest that this variant is not likely to affect RNA splicing, but this prediction has not been confirmed by published transcriptional studies. This variant has not been reported in the literature in individuals with PLEKHM2-related disease. This variant is not present in population databases (ExAC no frequency). This sequence change falls in intron 8 of the PLEKHM2 gene. It does not directly change the encoded amino acid sequence of the PLEKHM2 protein, but it affects a nucleotide within the consensus splice site of the intron.

Literature cited by the submitters: PubMed 17576681; PubMed 9536098.